The following is an entry in ClinVar:

NM_201525.4(ADGRG1):c.488-2A>G

Gene: ADGRG1 (adhesion G protein-coupled receptor G1; plus strand). Cytogenetic location: 16q21.
Variant type: single nucleotide variant.
Coding change: c.488-2A>G on transcript NM_201525.4 (MANE Select); the canonical splice acceptor site of the intron before coding-DNA position 488, A replaced by G.
Molecular consequence: splice acceptor variant. On other transcripts: intron variant (1).
Genome position (GRCh38, 1-based): chr16:57,653,201, A>G. VCF-style: chr16-57653201-A-G. GRCh37 (hg19) VCF-style: chr16-57687113-A-G.
Other names: c.488-2A>G (NM_001370440.1, NM_001370428.1, NM_001370436.1 and 16 more transcripts); c.111-785A>G (NM_001290142.2); c.-38-2A>G (NM_001370451.1, NM_001290143.2, NM_001370453.1 and 2 more transcripts); c.332-2A>G (NM_001370442.1); c.503-2A>G (NM_001370433.1, NM_001145773.3).
Identifiers: ClinVar variation 3014721 (VCV003014721.4), dbSNP rs866608532, ClinGen allele CA396044334.

ClinVar aggregate classification (germline): Likely pathogenic. Review status: criteria provided, multiple submitters, no conflicts (2 of 4 stars). 2 submissions from 2 submitters: Likely pathogenic (2). Last evaluated 2024-05-02.

Conditions:
Polymicrogyria, bilateral perisylvian, autosomal recessive (CDCBM14B). Also called: CORTICAL DYSPLASIA, COMPLEX, WITH OTHER BRAIN MALFORMATIONS 14B (BILATERAL PERISYLVIAN). Identifiers: MedGen C3810405, MONDO:0014333, OMIM 615752.
Bilateral frontoparietal polymicrogyria. Also called: CEREBELLAR ATAXIA WITH NEURONAL MIGRATION DEFECT; CORTICAL DYSPLASIA, COMPLEX, WITH OTHER BRAIN MALFORMATIONS 14A (BILATERAL FRONTOPARIETAL). Identifiers: Orphanet 101070, MedGen C1847352, MONDO:0011738, OMIM 606854.

Allele frequency attached by ClinVar (database versions not stated): gnomAD exomes 0.00001.

Submissions (2):

Fulgent Genetics
Classification: Likely pathogenic for Bilateral frontoparietal polymicrogyria; Polymicrogyria, bilateral perisylvian, autosomal recessive. Last evaluated: 2024-05-02. Review status: criteria provided, single submitter. Criteria: ACMG Guidelines, 2015. Collection method: clinical testing. Allele origin: germline.

Labcorp Genetics (formerly Invitae), Labcorp
Classification: Likely pathogenic. Last evaluated: 2023-11-17. Review status: criteria provided, single submitter. Criteria: Invitae Variant Classification Sherloc (09022015). Collection method: clinical testing. Allele origin: germline.
Comment: This sequence change affects an acceptor splice site in intron 4 of the ADGRG1 gene. It is expected to disrupt RNA splicing. Variants that disrupt the donor or acceptor splice site typically lead to a loss of protein function (PMID: 16199547), and loss-of-function variants in ADGRG1 are known to be pathogenic (PMID: 15044805, 20929962). The frequency data for this variant in the population databases is considered unreliable, as metrics indicate poor data quality at this position in the gnomAD database. This variant has not been reported in the literature in individuals affected with ADGRG1-related conditions. Algorithms developed to predict the effect of sequence changes on RNA splicing suggest that this variant may disrupt the consensus splice site. In summary, the currently available evidence indicates that the variant is pathogenic, but additional data are needed to prove that conclusively. Therefore, this variant has been classified as Likely Pathogenic.

Literature cited by the submitters: PubMed 16199547 (cited by Labcorp Genetics (formerly Invitae), Labcorp); PubMed 15044805 (cited by Labcorp Genetics (formerly Invitae), Labcorp); PubMed 20929962 (cited by Labcorp Genetics (formerly Invitae), Labcorp).